The following is an entry in ClinVar:

ClinVar aggregate classification (germline): Uncertain significance. Review status: criteria provided, multiple submitters, no conflicts (2 of 4 stars). 3 submissions from 3 submitters: Uncertain significance (3). Last evaluated 2025-11-19.

Conditions:
Inborn genetic diseases. Identifiers: MedGen C0950123, MeSH D030342.

Allele frequency attached by ClinVar (database versions not stated): TOPMed 0.00003; ExAC 0.00004; gnomAD exomes 0.00004 and 0.00011; gnomAD 0.00005.
gnomAD v4.1: 179 of 1,613,988 alleles (0.011%); highest among the groups gnomAD compares: Non-Finnish European, 0.014%; no homozygotes.

Submissions (3):

Ambry Genetics
Classification: Uncertain significance for Inborn genetic diseases. Last evaluated: 2025-11-19. Review status: criteria provided, single submitter. Criteria: Ambry Variant Classification Scheme 2023. Collection method: clinical testing. Allele origin: germline.

Labcorp Genetics (formerly Invitae), Labcorp
Classification: Uncertain significance. Last evaluated: 2025-09-02. Review status: criteria provided, single submitter. Criteria: Invitae Variant Classification Sherloc (09022015). Collection method: clinical testing. Allele origin: germline.
Comment: This sequence change replaces histidine, which is basic and polar, with arginine, which is basic and polar, at codon 686 of the TTLL5 protein (p.His686Arg). This variant is present in population databases (rs758944388, gnomAD 0.009%). This variant has not been reported in the literature in individuals affected with TTLL5-related conditions. ClinVar contains an entry for this variant (Variation ID: 964510). Invitae Evidence Modeling of protein sequence and biophysical properties (such as structural, functional, and spatial information, amino acid conservation, physicochemical variation, residue mobility, and thermodynamic stability) indicates that this missense variant is not expected to disrupt TTLL5 protein function with a negative predictive value of 80%. In summary, the available evidence is currently insufficient to determine the role of this variant in disease. Therefore, it has been classified as a Variant of Uncertain Significance.

Blueprint Genetics
Classification: Uncertain significance. Last evaluated: 2022-11-16. Review status: criteria provided, single submitter. Criteria: ACMG Guidelines, 2015. Collection method: clinical testing. Allele origin: germline.

NM_015072.5(TTLL5):c.2057A>G (p.His686Arg)

Gene: TTLL5 (tubulin tyrosine ligase like 5; plus strand). Cytogenetic location: 14q24.3.
Variant type: single nucleotide variant.
Coding change: c.2057A>G on transcript NM_015072.5 (MANE Select); coding-DNA position 2057, A replaced by G.
Protein change: p.His686Arg; replaces histidine 686 with arginine.
Molecular consequence: missense variant.
Genome position (GRCh38, 1-based): chr14:75,771,775, A>G. VCF-style: chr14-75771775-A-G. GRCh37 (hg19) VCF-style: chr14-76238118-A-G.
Other names: short protein forms H686R.
Identifiers: ClinVar variation 964510 (VCV000964510.9), dbSNP rs758944388, ClinGen allele CA7279587.